The following is an entry in ClinVar:

NM_000091.5(COL4A3):c.3760G>C (p.Gly1254Arg)

Genes: COL4A3 (collagen type IV alpha 3 chain; plus strand), MFF-DT (MFF divergent transcript; minus strand). Cytogenetic location: 2q36.3.
Variant type: single nucleotide variant.
Coding change: c.3760G>C on transcript NM_000091.5 (MANE Select); coding-DNA position 3760, G replaced by C.
Protein change: p.Gly1254Arg; replaces glycine 1254 with arginine.
Molecular consequence: missense variant.
Genome position (GRCh38, 1-based): chr2:227,298,690, G>C. VCF-style: chr2-227298690-G-C. GRCh37 (hg19) VCF-style: chr2-228163406-G-C.
Other names: short protein forms G1254R.
Identifiers: ClinVar variation 3835257 (VCV003835257.6).

ClinVar aggregate classification (germline): Likely pathogenic. Review status: criteria provided, multiple submitters, no conflicts (2 of 4 stars). 4 submissions from 4 submitters: Likely pathogenic (4). Last evaluated 2026-05-20.

Conditions:
Alport syndrome. Also called: Hemorrhagic familial nephritis; Hemorrhagic hereditary nephritis; Congenital hereditary hematuria. Identifiers: Orphanet 63, MedGen C1567741, MONDO:0018965.
COL4A3-related disorder. Also called: COL4A3-related condition; COL4A3-Related Disorders.
Inborn genetic diseases. Identifiers: MedGen C0950123, MeSH D030342.
Hematuria. Identifiers: MedGen C0018965, HP:0000790.

gnomAD v4.1: 18 of 1,613,922 alleles (0.0011%); highest among the groups gnomAD compares: Non-Finnish European, 0.0015%; no homozygotes.

Submissions (4):

Victorian Clinical Genetics Services, Murdoch Childrens Research Institute
Classification: Likely pathogenic for Alport syndrome. Last evaluated: 2026-05-20. Review status: criteria provided, single submitter. Criteria: ACMG Guidelines, 2015. Collection method: clinical testing. Allele origin: germline. Affected: yes.
Comment: This variant is classified as Likely pathogenic. Evidence in support of pathogenic classification: Variant is present in gnomAD <0.01 (v4: 18 heterozygote(s), 0 homozygote(s)); This variant has moderate previous evidence of pathogenicity in unrelated individuals. It has been classified as likely pathogenic by a clinical laboratory in ClinVar. In addition, it has been reported in the literature in multiple individuals with haematuria and Alport syndrome, one of whom had a pathogenic variant in trans (PMIDs: 24052634, 34400539; LOVD); Variant is located in the well-established functional Gly-X-Y motif in the collagen triple helical domain (DECIPHER); Missense variant predicted to be damaging by in silico tool(s) or highly conserved with a major amino acid change. Additional information: Variant is predicted to result in a missense amino acid change from Gly to Arg; This variant is heterozygous; This gene is associated with both recessive and dominant Alport syndrome (MONDO:0018965), COL4A3-related; Alternative amino acid change(s) at the same position are present in gnomAD (Highest allele count: v4: 2 heterozygote(s), 0 homozygote(s)); No published evidence of segregation with disease has been identified for this variant; No published functional evidence has been identified for this variant; No comparable missense variants have previous evidence for pathogenicity; Loss of function is a known mechanism of disease for this gene and is associated with Alport syndrome (MONDO:0018965), COL4A3-related. Dominant negative is a suspected mechanism of disease for glycine changes that are part of a G-X-Y repeat in the triple helix of a collagen domain (PMIDs: 12028435, 24046192, 38214412); Inheritance information for this variant is not currently available in this individual.

Genetics Laboratory, Great Ormond Street Hospital NHS Foundation Trust, North Thames Genomic Laboratory Hub
Classification: Likely pathogenic for Haematuria. Last evaluated: 2025-10-07. Review status: criteria provided, single submitter. Criteria: ACGS Best Practice Guidelines for Variant Classification in Rare Disease 2024 v1.2. Collection method: clinical testing. Allele origin: germline. Affected: yes.
Comment: PS4_moderate, PM2_moderate, PM1_strong

Ambry Genetics
Classification: Likely pathogenic for Inborn genetic diseases. Last evaluated: 2024-12-11. Review status: criteria provided, single submitter. Criteria: Ambry Variant Classification Scheme 2023. Collection method: clinical testing. Allele origin: germline.
Comment: The c.3760G>C (p.G1254R) alteration is located in exon 43 (coding exon 43) of the COL4A3 gene. This alteration results from a G to C substitution at nucleotide position 3760, causing the glycine (G) at amino acid position 1254 to be replaced by an arginine (R). Based on data from gnomAD, the C allele has an overall frequency of <0.001% (1/249506) total alleles studied. The highest observed frequency was 0.001% (1/113224) of European (non-Finnish) alleles. This variant has been identified in conjunction with another COL4A3 variant in an individual with features consistent with COL4A3-related Alport syndrome; the variants were identified in trans (Storey, 2013). This amino acid position is highly conserved in available vertebrate species. This alteration is predicted to be deleterious by in silico analysis. Based on the available evidence, this alteration is classified as likely pathogenic.

Blueprint Genetics
Classification: Likely pathogenic for COL4A3-related disorders. Last evaluated: 2024-09-25. Review status: criteria provided, single submitter. Criteria: ACMG Guidelines, 2015. Collection method: clinical testing. Allele origin: germline. Affected: yes. Observed: 2 variant alleles.

Literature cited by the submitters: PubMed 38214412 (cited by Victorian Clinical Genetics Services, Murdoch Childrens Research Institute); PubMed 12028435 (cited by Victorian Clinical Genetics Services, Murdoch Childrens Research Institute); PubMed 24046192 (cited by Victorian Clinical Genetics Services, Murdoch Childrens Research Institute); PubMed 24052634 (cited by Ambry Genetics).